The following is an entry in ClinVar:

ClinVar aggregate classification (germline): Likely benign. Review status: criteria provided, multiple submitters, no conflicts (2 of 4 stars). 3 submissions from 3 submitters: Likely benign (3). Last evaluated 2024-10-31.

Conditions:
Spastic paraplegia. Identifiers: MedGen C0037772, HP:0001258.

Allele frequency attached by ClinVar (database versions not stated): gnomAD exomes below 0.00001; ExAC 0.00002; TOPMed 0.00002; gnomAD 0.00003; ESP Exome Variant Server 0.00023.
gnomAD v4.1: 9 of 1,614,082 alleles (0.00056%); highest among the groups gnomAD compares: Non-Finnish European, 0.00068%; no homozygotes.

Submissions (3):

Blueprint Genetics
Classification: Likely benign. Last evaluated: 2024-10-31. Review status: criteria provided, single submitter. Criteria: ACMG Guidelines, 2015. Collection method: clinical testing. Allele origin: germline.

CeGaT Center for Human Genetics Tuebingen
Classification: Likely benign. Last evaluated: 2024-09-01. Review status: criteria provided, single submitter. Criteria: CeGaT Center For Human Genetics Tuebingen Variant Classification Criteria Version 2. Collection method: clinical testing. Allele origin: germline. Affected: yes. Observed: 1 variant allele.
Comment: SACS: BP4, BP7

Labcorp Genetics (formerly Invitae), Labcorp
Classification: Likely benign for Spastic paraplegia. Last evaluated: 2022-08-16. Review status: criteria provided, single submitter. Criteria: Invitae Variant Classification Sherloc (09022015). Collection method: clinical testing. Allele origin: germline.

NM_014363.6(SACS):c.552T>G (p.Pro184=)

Gene: SACS (sacsin molecular chaperone; minus strand). Cytogenetic location: 13q12.12.
Variant type: single nucleotide variant.
Coding change: c.552T>G on transcript NM_014363.6 (MANE Select); coding-DNA position 552, T replaced by G.
Protein change: p.Pro184=; no amino-acid change (proline 184 retained).
Molecular consequence: synonymous variant.
Genome position (GRCh38, 1-based): chr13:23,358,387, A>C on the plus strand (T>G on the coding strand, the complement: SACS is on the minus strand). VCF-style: chr13-23358387-A-C. GRCh37 (hg19) VCF-style: chr13-23932526-A-C.
Other names: c.111T>G, p.Pro37= (NM_001278055.2).
Identifiers: ClinVar variation 1091790 (VCV001091790.24), dbSNP rs140637560, ClinGen allele CA6912060.
Genomic context (GRCh38, chr13:23,358,387, plus strand): 5'-TACTCTACCTGTTATATGATAGACAGAATTAAACCCAATTCCAAATCTTCCGACCTTCAG[A>C]GGATCATCCTTTTTCCTGCTTCTTGCTATTTCTTGAATGCCGTGCCAGTCCTCTGGGGTG-3'
Protein context (NP_055178.3, residues 174-194): EIARSRKKDD[Pro184=]LKVGRFGIGF